The following is an entry in ClinVar:

ClinVar aggregate classification (germline): Uncertain significance (1 of 4 stars; one submission).

Submission:

ISCA site 4
Classification: Uncertain significance. Last evaluated: 2011-08-12. Review status: criteria provided, single submitter. Criteria: Kaminsky et al. (Genet Med. 2011). Collection method: clinical testing. Allele origin: unknown. Affected: yes. Observed: 1 variant allele.
Comment: Copy number variation identified through the course of routine clinical cytogenomic testing in postnatal populations. Clinical assertions have been curated as described in Kaminsky et al. 2011.

GRCh38/hg38 5q22.1(chr5:110564896-111731572)x3

Genes: CAMK4 (calcium/calmodulin dependent protein kinase IV; plus strand), NREP (neuronal regeneration related protein; minus strand), SLC25A46 (solute carrier family 25 member 46; plus strand), STARD4 (StAR related lipid transfer domain containing 4; minus strand), STARD4-AS1 (STARD4 antisense RNA 1; plus strand) and 28 more. Cytogenetic location: 5q22.1.
Variant type: copy number gain.
Change: copy number 3 (three copies instead of two) of chr5:110,564,896-111,731,572 (1.17 Mb, GRCh38 coordinates, 1-based), cytogenetic band 5q22.1.
Identifiers: ClinVar variation 59447 (VCV000059447.1).